The following is an entry in ClinVar:

ClinVar aggregate classification (germline): Pathogenic. Review status: criteria provided, multiple submitters, no conflicts (2 of 4 stars). 2 submissions from 2 submitters: Pathogenic (2). Last evaluated 2021-07-24.

Conditions:
Roberts-SC phocomelia syndrome (RBS). Also called: ESCO2 Spectrum Disorder; Hypomelia hypotrichosis facial hemangioma syndrome; Pseudothalidomide syndrome; Appelt-Gerken-Lenz syndrome; LONG BONE DEFICIENCIES ASSOCIATED WITH CLEFT LIP-PALATE. Identifiers: Orphanet 3103, MedGen C0392475, MONDO:0100253, OMIM 268300.

Submissions (2):

Labcorp Genetics (formerly Invitae), Labcorp
Classification: Pathogenic. Last evaluated: 2021-07-24. Review status: criteria provided, single submitter. Criteria: Invitae Variant Classification Sherloc (09022015). Collection method: clinical testing. Allele origin: germline.
Comment: For these reasons, this variant has been classified as Pathogenic. Loss-of-function variants in ESCO2 are known to be pathogenic (PMID: 15821733, 16380922). Algorithms developed to predict the effect of sequence changes on RNA splicing suggest that this variant may create or strengthen a splice site, but this prediction has not been confirmed by published transcriptional studies. This variant has not been reported in the literature in individuals with ESCO2-related conditions. This variant is not present in population databases (ExAC no frequency). This sequence change creates a premature translational stop signal (p.Gln259*) in the ESCO2 gene. It is expected to result in an absent or disrupted protein product.

Kariminejad - Najmabadi Pathology & Genetics Center
Classification: Pathogenic for Roberts-SC phocomelia syndrome. Review status: criteria provided, single submitter. Criteria: ACMG Guidelines, 2015. Collection method: clinical testing. Allele origin: germline. Affected: no.

Literature cited by the submitters: PubMed 15821733 (cited by Labcorp Genetics (formerly Invitae), Labcorp); PubMed 16380922 (cited by Labcorp Genetics (formerly Invitae), Labcorp).

NM_001017420.3(ESCO2):c.775C>T (p.Gln259Ter)

Gene: ESCO2 (establishment of sister chromatid cohesion N-acetyltransferase 2; plus strand). Cytogenetic location: 8p21.1.
Variant type: single nucleotide variant.
Coding change: c.775C>T on transcript NM_001017420.3 (MANE Select); coding-DNA position 775, C replaced by T.
Protein change: p.Gln259Ter; replaces glutamine 259 with a stop codon.
Molecular consequence: nonsense.
Genome position (GRCh38, 1-based): chr8:27,777,083, C>T. VCF-style: chr8-27777083-C-T. GRCh37 (hg19) VCF-style: chr8-27634600-C-T.
Other names: short protein forms Q259*.
Identifiers: ClinVar variation 1071815 (VCV001071815.6), dbSNP rs1804811181, ClinGen allele CA370819623.
Genomic context (GRCh38, chr8:27,777,083, plus strand): 5'-GAAGTCATTGAAGATTCTGATGTAGAGACTGTCAGTGAAAAAAAAACTTTTGCGACAAGG[C>T]AAGTGCCAAAGTGCTTGGTCCTAGAAGAGAAATTGAAAATTGGACTACTGAGTGCAAGCA-3'